The following is an entry in ClinVar:

NM_000103.4(CYP19A1):c.1293C>T (p.Gly431=)

Genes: CYP19A1 (cytochrome P450 family 19 subfamily A member 1; minus strand), MIR4713HG (MIR4713 host gene; plus strand), PIRC66 (piwi-interacting RNA cluster 66; plus strand). Cytogenetic location: 15q21.2.
Variant type: single nucleotide variant.
Coding change: c.1293C>T on transcript NM_000103.4 (MANE Select); coding-DNA position 1293, C replaced by T.
Protein change: p.Gly431=; no amino-acid change (glycine 431 retained).
Molecular consequence: synonymous variant.
Genome position (GRCh38, 1-based): chr15:51,211,027, G>A on the plus strand (C>T on the coding strand, the complement: CYP19A1 is on the minus strand). VCF-style: chr15-51211027-G-A. GRCh37 (hg19) VCF-style: chr15-51503224-G-A.
Other names: c.1293C>T, p.Gly431= (NM_001347248.1, NM_001347249.2, NM_001347250.2 and 7 more transcripts).
Identifiers: ClinVar variation 1903136 (VCV001903136.29), dbSNP rs2030919036, ClinGen allele CA490354267.
Genomic context (GRCh38, chr15:51,211,027, plus strand): 5'-GAGGATGGCTTTCATCATCACCATGGCGATGTACTTTCCTGCACAGCCACGGGGCCCAAA[G>A]CCAAATGGCTGAAAGTACCTATAAGGAACCTATGAAAATGATCAGACAGTTAGCCAGAAT-3'
Protein context (NP_000094.2, residues 421-441): NVPYRYFQPF[Gly431=]FGPRGCAGKY

ClinVar aggregate classification (germline): Likely benign. Review status: criteria provided, multiple submitters, no conflicts (2 of 4 stars). 2 submissions from 2 submitters: Likely benign (2). Last evaluated 2022-09-01.

Allele frequency attached by ClinVar (database versions not stated): gnomAD exomes below 0.00001; TOPMed below 0.00001.
gnomAD v4.1: 4 of 1,591,828 alleles (0.00025%); highest among the groups gnomAD compares: Non-Finnish European, 0.00026%; no homozygotes.

Submissions (2):

CeGaT Center for Human Genetics Tuebingen
Classification: Likely benign. Last evaluated: 2022-09-01. Review status: criteria provided, single submitter. Criteria: CeGaT Center For Human Genetics Tuebingen Variant Classification Criteria Version 2. Collection method: clinical testing. Allele origin: germline. Affected: yes. Observed: 1 variant allele.
Comment: CYP19A1: BP4, BP7

Labcorp Genetics (formerly Invitae), Labcorp
Classification: Likely benign. Last evaluated: 2022-03-06. Review status: criteria provided, single submitter. Criteria: Invitae Variant Classification Sherloc (09022015). Collection method: clinical testing. Allele origin: germline.